The following is an entry in ClinVar:

ClinVar aggregate classification (germline): Benign/Likely benign. Review status: criteria provided, multiple submitters, no conflicts (2 of 4 stars). 7 submissions from 7 submitters: Benign (1); Likely benign (4). 2 of the submissions do not count toward it. Last evaluated 2026-09-01.

Conditions:
Cerebellar dysfunction with variable cognitive and behavioral abnormalities (CECBA). Also called: Nonprogressive cerebellar atxia with intellectual disability. Identifiers: Orphanet 314647, MedGen C3553661, MONDO:0013886, OMIM 614756.

Allele frequency attached by ClinVar (database versions not stated): ESP Exome Variant Server 0.00092; gnomAD 0.00106 and 0.00141; gnomAD exomes 0.00130 and 0.00213; TOPMed 0.00150; ExAC 0.00223; 1000 Genomes Project 0.00300; 1000 Genomes Project 30x 0.00328.
gnomAD v4.1: 2,212 of 1,614,168 alleles (0.14%); highest among the groups gnomAD compares: Middle Eastern, 1.4%; 13 homozygotes.

Submissions (7):

CeGaT Center for Human Genetics Tuebingen
Classification: Likely benign. Last evaluated: 2026-09-01. Review status: criteria provided, single submitter. Criteria: CeGaT Center For Human Genetics Tuebingen Variant Classification Criteria Version 2. Collection method: clinical testing. Allele origin: germline. Affected: yes. Observed: 15 variant alleles.
Comment: CAMTA1: BS1

Labcorp Genetics (formerly Invitae), Labcorp
Classification: Benign. Last evaluated: 2026-01-27. Review status: criteria provided, single submitter. Criteria: Invitae Variant Classification Sherloc (09022015). Collection method: clinical testing. Allele origin: germline.

Blueprint Genetics
Classification: Likely benign. Last evaluated: 2024-11-22. Review status: criteria provided, single submitter. Criteria: ACMG Guidelines, 2015. Collection method: clinical testing. Allele origin: germline.

Mendelics
Classification: Likely benign for Cerebellar dysfunction with variable cognitive and behavioral abnormalities. Last evaluated: 2019-05-28. Review status: criteria provided, single submitter. Criteria: Mendelics Assertion Criteria 2017. Collection method: clinical testing. Allele origin: unknown.

Breakthrough Genomics
Classification: Likely benign. Review status: criteria provided, single submitter. Criteria: ACMG Guidelines, 2015. Collection method: not provided. Allele origin: germline. Inheritance: Autosomal dominant inheritance. Affected: yes.

Clinical Genetics DNA and cytogenetics Diagnostics Lab, Erasmus MC, Erasmus Medical Center
Classification: Likely benign. Review status: no assertion criteria provided. Collection method: clinical testing. Allele origin: germline. Affected: yes. Study: VKGL Data-share Consensus. Not counted in ClinVar's aggregate classification.

Diagnostic Laboratory, Department of Genetics, University Medical Center Groningen
Classification: Benign. Review status: no assertion criteria provided. Collection method: clinical testing. Allele origin: germline. Affected: yes. Study: VKGL Data-share Consensus. Not counted in ClinVar's aggregate classification.

NM_015215.4(CAMTA1):c.4007C>T (p.Thr1336Ile)

Genes: CAMTA1 (calmodulin binding transcription activator 1; plus strand), LOC126805603 (CDK7 strongly-dependent group 2 enhancer GRCh37_chr1:7798026-7799225; plus strand). Cytogenetic location: 1p36.23.
Variant type: single nucleotide variant.
Coding change: c.4007C>T on transcript NM_015215.4 (MANE Select); coding-DNA position 4007, C replaced by T.
Protein change: p.Thr1336Ile; replaces threonine 1336 with isoleucine.
Molecular consequence: missense variant.
Genome position (GRCh38, 1-based): chr1:7,738,307, C>T. VCF-style: chr1-7738307-C-T. GRCh37 (hg19) VCF-style: chr1-7798367-C-T.
Other names: c.3917C>T, p.Thr1306Ile (NM_001349608.2); c.3668C>T, p.Thr1223Ile (NM_001349609.2, NM_001349610.2); c.3578C>T, p.Thr1193Ile (NM_001349612.2); c.1136C>T, p.Thr379Ile (NM_001349613.1); c.1079C>T, p.Thr360Ile (NM_001349614.1, NM_001349615.2, NM_001349616.2 and 2 more transcripts); c.740C>T, p.Thr247Ile (NM_001349619.2, NM_001349620.1, NM_001349621.1 and 5 more transcripts); short protein forms T1193I, T1336I, T360I, T1306I, T379I, T1223I, T247I.
Identifiers: ClinVar variation 784438 (VCV000784438.39), dbSNP rs137974312, ClinGen allele CA567045.